The following is an entry in ClinVar:

NM_182643.3(DLC1):c.1529C>T (p.Ala510Val)

Gene: DLC1 (DLC1 Rho GTPase activating protein; minus strand). Cytogenetic location: 8p22.
Variant type: single nucleotide variant.
Coding change: c.1529C>T on transcript NM_182643.3 (MANE Select); coding-DNA position 1529, C replaced by T.
Protein change: p.Ala510Val; replaces alanine 510 with valine.
Molecular consequence: missense variant. On other transcripts: 5 prime UTR variant (4).
Genome position (GRCh38, 1-based): chr8:13,102,827, G>A on the plus strand (C>T on the coding strand, the complement: DLC1 is on the minus strand). VCF-style: chr8-13102827-G-A. GRCh37 (hg19) VCF-style: chr8-12960336-G-A.
Other names: c.-5C>T (NM_001164271.2, NM_001348082.2, NM_001348083.1 and 1 more transcripts); c.320C>T, p.Ala107Val (NM_001316668.2); c.1529C>T, p.Ala510Val (NM_001348081.2); c.218C>T, p.Ala73Val (NM_006094.5); short protein forms A510V, A107V, A73V.
Identifiers: ClinVar variation 421909 (VCV000421909.2), dbSNP rs1064795440, ClinGen allele CA16618598.
Genomic context (GRCh38, chr8:13,102,827, plus strand): 5'-TATTATGCAATTTGTATACTCACTCGTTTCCGATGAGGACTAATTTCTAGCTTCATCACC[G>A]CACATTTGTTTAAAGTATTTAGACGCCTATAGAGCAAAGAAATAACGTTAGCAAAGATAG-3'
Protein context (NP_872584.2, residues 500-520): CRRLNTLNKC[Ala510Val]VMKLEISPHR

ClinVar aggregate classification (germline): Uncertain significance (1 of 4 stars; one submission).

Allele frequency attached by ClinVar (database versions not stated): gnomAD exomes 0.00001; TOPMed 0.00003; gnomAD 0.00001.
gnomAD v4.1: 12 of 1,613,658 alleles (0.00074%); highest among the groups gnomAD compares: Admixed American, 0.0033%; no homozygotes.

Submission:

GeneDx
Classification: Uncertain significance. Last evaluated: 2016-08-12. Review status: criteria provided, single submitter. Criteria: GeneDx Variant Classification (06012015). Collection method: clinical testing. Allele origin: germline. Affected: yes.
Comment: The A510V variant in the DLC1 gene has not been reported previously as a pathogenic variant, nor as a benign variant, to our knowledge. The A510V variant was not observed in approximately 6,500 individuals of European and African American ancestry in the NHLBI Exome Sequencing Project, indicating it is not a common benign variant in these populations. The A510V variant is a conservative amino acid substitution, which is not likely to impact secondary protein structure as these residues share similar properties. However, this substitution occurs at a position that is conserved across species, and in silico analysis predicts this variant is probably damaging to the protein structure/function. Therefore, we interpret A510V as a variant of uncertain significance.